The following is an entry in ClinVar:

ClinVar aggregate classification (germline): Uncertain significance. Review status: criteria provided, multiple submitters, no conflicts (2 of 4 stars). 4 submissions from 4 submitters: Uncertain significance (4). Last evaluated 2025-12-05.

Conditions:
Cardiovascular phenotype. Identifiers: MedGen CN230736.
CBL-related disorder. Also called: CBL MUTATION-ASSOCIATED SYNDROME; CBL SYNDROME; NOONAN SYNDROME-LIKE DISORDER WITHOUT JUVENILE MYELOMONOCYTIC LEUKEMIA. Identifiers: Orphanet 363972, MedGen C3150803, MONDO:0013308, OMIM 613563.
RASopathy. Also called: rasopathies; Noonan spectrum disorder. Identifiers: Orphanet 536391, MedGen C5555857, MONDO:0021060.

Allele frequency attached by ClinVar (database versions not stated): gnomAD exomes below 0.00001; TOPMed 0.00002.
gnomAD v4.1: 3 of 1,614,034 alleles (0.00019%); highest among the groups gnomAD compares: Non-Finnish European, 0.00025%; no homozygotes.

Submissions (4):

PreventionGenetics, part of Exact Sciences
Classification: Uncertain significance for CBL-related condition. Last evaluated: 2025-12-05. Review status: criteria provided, single submitter. Criteria: ACMG Guidelines, 2015. Collection method: clinical testing. Allele origin: germline.
Comment: The CBL c.656T>C variant is predicted to result in the amino acid substitution p.Leu219Pro. To our knowledge, this variant has not been reported in the literature. This variant is reported in 0.00088% of alleles in individuals of European (Non-Finnish) descent in gnomAD. At this time, the clinical significance of this variant is uncertain due to the absence of conclusive functional and genetic evidence.

Labcorp Genetics (formerly Invitae), Labcorp
Classification: Uncertain significance for RASopathy. Last evaluated: 2025-10-26. Review status: criteria provided, single submitter. Criteria: Invitae Variant Classification Sherloc (09022015). Collection method: clinical testing. Allele origin: germline.
Comment: This sequence change replaces leucine, which is neutral and non-polar, with proline, which is neutral and non-polar, at codon 219 of the CBL protein (p.Leu219Pro). This variant is present in population databases (no rsID available, gnomAD 0.0009%). This variant has not been reported in the literature in individuals affected with CBL-related conditions. ClinVar contains an entry for this variant (Variation ID: 1677808). Invitae Evidence Modeling of protein sequence and biophysical properties (such as structural, functional, and spatial information, amino acid conservation, physicochemical variation, residue mobility, and thermodynamic stability) indicates that this missense variant is not expected to disrupt CBL protein function with a negative predictive value of 95%. In summary, the available evidence is currently insufficient to determine the role of this variant in disease. Therefore, it has been classified as a Variant of Uncertain Significance.

Ambry Genetics
Classification: Uncertain significance for Cardiovascular phenotype. Last evaluated: 2025-09-28. Review status: criteria provided, single submitter. Criteria: Ambry Variant Classification Scheme 2023. Collection method: clinical testing. Allele origin: germline.
Comment: The c.656T>C (p.L219P) alteration is located in exon 4 (coding exon 4) of the CBL gene. This alteration results from a T to C substitution at nucleotide position 656, causing the leucine (L) at amino acid position 219 to be replaced by a proline (P). Based on data from gnomAD, the C allele has an overall frequency of <0.001% (1/251468) total alleles studied. The highest observed frequency was 0.001% (1/113760) of European (non-Finnish) alleles. Based on insufficient or conflicting evidence, the clinical significance of this alteration remains unclear.

AiLife Diagnostics
Classification: Uncertain significance. Last evaluated: 2022-01-17. Review status: criteria provided, single submitter. Criteria: ACMG Guidelines, 2015. Collection method: clinical testing. Allele origin: germline. Affected: yes. Observed: 1 variant allele.

NM_005188.4(CBL):c.656T>C (p.Leu219Pro)

Gene: CBL (Cbl proto-oncogene; plus strand). Cytogenetic location: 11q23.3.
Variant type: single nucleotide variant.
Coding change: c.656T>C on transcript NM_005188.4 (MANE Select); coding-DNA position 656, T replaced by C.
Protein change: p.Leu219Pro; replaces leucine 219 with proline.
Molecular consequence: missense variant.
Genome position (GRCh38, 1-based): chr11:119,273,933, T>C. VCF-style: chr11-119273933-T-C. GRCh37 (hg19) VCF-style: chr11-119144643-T-C.
Other names: c.656T>C (NM_005188.3); short protein forms L219P.
Identifiers: ClinVar variation 1677808 (VCV001677808.11), dbSNP rs895664191, ClinGen allele CA229659759.